The following is an entry in ClinVar:

NM_030753.5(WNT3):c.310G>A (p.Val104Ile)

Genes: LRRC37A2 (leucine rich repeat containing 37 member A2), WNT3 (Wnt family member 3; minus strand). Cytogenetic location: 17q21.31.
Variant type: single nucleotide variant.
Coding change: c.310G>A on transcript NM_030753.5 (MANE Select); coding-DNA position 310, G replaced by A.
Protein change: p.Val104Ile; replaces valine 104 with isoleucine.
Molecular consequence: missense variant.
Genome position (GRCh38, 1-based): chr17:46,773,680, C>T on the plus strand (G>A on the coding strand, the complement: WNT3 is on the minus strand). VCF-style: chr17-46773680-C-T. GRCh37 (hg19) VCF-style: chr17-44851046-C-T.
Other names: short protein forms V104I.
Identifiers: ClinVar variation 1481339 (VCV001481339.8), dbSNP rs780778750, ClinGen allele CA8620647.
Genomic context (GRCh38, chr17:46,773,680, plus strand): 5'-CCCTCCCCCCACCCAGCCCCTCCCCCCCCCTCAGCCCCAAGGCAGTACCTTTGTCGAGGA[C>T]GGGCCCAAAGATGGCCAGGCTGTCATCTATGGTGGTGCAGTTCCAGCGGCGGCCCCGGAA-3'
Protein context (NP_110380.1, residues 94-114): IDDSLAIFGP[Val104Ile]LDKATRESAF

ClinVar aggregate classification (germline): Uncertain significance (1 of 4 stars; one submission).

Allele frequency attached by ClinVar (database versions not stated): gnomAD exomes below 0.00001 and 0.00001; ExAC 0.00001; gnomAD 0.00002.
gnomAD v4.1: 12 of 1,347,134 alleles (0.00089%); highest among the groups gnomAD compares: East Asian, 0.0097%; no homozygotes.

Submission:

Labcorp Genetics (formerly Invitae), Labcorp
Classification: Uncertain significance. Last evaluated: 2023-10-17. Review status: criteria provided, single submitter. Criteria: Invitae Variant Classification Sherloc (09022015). Collection method: clinical testing. Allele origin: germline.
Comment: This sequence change replaces valine, which is neutral and non-polar, with isoleucine, which is neutral and non-polar, at codon 104 of the WNT3 protein (p.Val104Ile). The frequency data for this variant in the population databases is considered unreliable, as metrics indicate poor data quality at this position in the gnomAD database. This variant has not been reported in the literature in individuals affected with WNT3-related conditions. ClinVar contains an entry for this variant (Variation ID: 1481339). Advanced modeling of protein sequence and biophysical properties (such as structural, functional, and spatial information, amino acid conservation, physicochemical variation, residue mobility, and thermodynamic stability) performed at Invitae indicates that this missense variant is not expected to disrupt WNT3 protein function. In summary, the available evidence is currently insufficient to determine the role of this variant in disease. Therefore, it has been classified as a Variant of Uncertain Significance.